The following is an entry in ClinVar:

ClinVar aggregate classification (germline): Uncertain significance (1 of 4 stars; one submission).

Submissions (2):

Labcorp Genetics (formerly Invitae), Labcorp
Classification: Uncertain significance. Last evaluated: 2021-11-12. Review status: criteria provided, single submitter. Criteria: Invitae Variant Classification Sherloc (09022015). Collection method: clinical testing. Allele origin: germline.
Comment: This variant is not present in population databases (gnomAD no frequency). In summary, the available evidence is currently insufficient to determine the role of this variant in disease. Therefore, it has been classified as a Variant of Uncertain Significance. Algorithms developed to predict the effect of sequence changes on RNA splicing suggest that this variant may disrupt the consensus splice site. Algorithms developed to predict the effect of missense changes on protein structure and function are either unavailable or do not agree on the potential impact of this missense change (SIFT: "Deleterious"; PolyPhen-2: "Not Available"; Align-GVGD: "Class C65"). This missense change has been observed in individual(s) with Alport syndrome (Invitae). This sequence change replaces lysine, which is basic and polar, with asparagine, which is neutral and polar, at codon 798 of the COL4A5 protein (p.Lys798Asn).

Dr. Peter K. Rogan Lab, Western University
No classification provided (evidence only). Condition: Thyroid cancer, nonmedullary, 1. Review status: no classification provided. Collection method: in vitro. Allele origin: not applicable. Functional consequence: skipped exon. Not counted in ClinVar's aggregate classification.

NM_033380.3(COL4A5):c.2394A>T (p.Lys798Asn)

Gene: COL4A5 (collagen type IV alpha 5 chain; plus strand). Cytogenetic location: Xq22.3.
Variant type: single nucleotide variant.
Coding change: c.2394A>T on transcript NM_033380.3 (MANE Select); coding-DNA position 2394, A replaced by T.
Protein change: p.Lys798Asn; replaces lysine 798 with asparagine.
Molecular consequence: missense variant.
Genome position (GRCh38, 1-based): chrX:108,606,891, A>T. VCF-style: chrX-108606891-A-T. GRCh37 (hg19) VCF-style: chrX-107850121-A-T.
Other names: c.2394A>T, p.Lys798Asn (NM_000495.5); short protein forms K798N.
Identifiers: ClinVar variation 1379947 (VCV001379947.7), dbSNP rs281874691, ClinGen allele CA413849236.